The following is an entry in ClinVar:

ClinVar aggregate classification (germline): Uncertain significance (1 of 4 stars; one submission).

Conditions:
Congenital sideroblastic anemia-B-cell immunodeficiency-periodic fever-developmental delay syndrome. Also called: Sideroblastic anemia with B-cell immunodeficiency, periodic fevers, and developmental delay. Identifiers: Orphanet 369861, MedGen C4015172, MONDO:0014487, OMIM 616084.

Submission:

Labcorp Genetics (formerly Invitae), Labcorp
Classification: Uncertain significance for Congenital sideroblastic anemia-B-cell immunodeficiency-periodic fever-developmental delay syndrome. Last evaluated: 2023-01-19. Review status: criteria provided, single submitter. Criteria: Invitae Variant Classification Sherloc (09022015). Collection method: clinical testing. Allele origin: germline.
Comment: In summary, the available evidence is currently insufficient to determine the role of this variant in disease. Therefore, it has been classified as a Variant of Uncertain Significance. Advanced modeling of protein sequence and biophysical properties (such as structural, functional, and spatial information, amino acid conservation, physicochemical variation, residue mobility, and thermodynamic stability) performed at Invitae indicates that this missense variant is not expected to disrupt TRNT1 protein function. This variant has not been reported in the literature in individuals affected with TRNT1-related conditions. This variant is not present in population databases (gnomAD no frequency). This sequence change replaces valine, which is neutral and non-polar, with alanine, which is neutral and non-polar, at codon 396 of the TRNT1 protein (p.Val396Ala).

NM_182916.3(TRNT1):c.1187T>C (p.Val396Ala)

Gene: TRNT1 (tRNA nucleotidyl transferase 1; plus strand). Cytogenetic location: 3p26.2.
Variant type: single nucleotide variant.
Coding change: c.1187T>C on transcript NM_182916.3 (MANE Select); coding-DNA position 1187, T replaced by C.
Protein change: p.Val396Ala; replaces valine 396 with alanine.
Molecular consequence: missense variant. On other transcripts: non-coding transcript variant (8).
Genome position (GRCh38, 1-based): chr3:3,148,036, T>C. VCF-style: chr3-3148036-T-C. GRCh37 (hg19) VCF-style: chr3-3189720-T-C.
Other names: c.1127T>C, p.Val376Ala (NM_001302946.2); c.1187T>C, p.Val396Ala (NM_001367321.1, NM_001367322.1, NM_001367323.1); short protein forms V396A, V376A.
Identifiers: ClinVar variation 2830235 (VCV002830235.3), dbSNP rs2471357492, ClinGen allele CA351448995.